The following is an entry in ClinVar:

NM_019066.5(MAGEL2):c.3088T>A (p.Phe1030Ile)

Gene: MAGEL2 (MAGE family member L2; minus strand). Cytogenetic location: 15q11.2.
Variant type: single nucleotide variant.
Coding change: c.3088T>A on transcript NM_019066.5 (MANE Select); coding-DNA position 3088, T replaced by A.
Protein change: p.Phe1030Ile; replaces phenylalanine 1030 with isoleucine.
Molecular consequence: missense variant.
Genome position (GRCh38, 1-based): chr15:23,644,655, A>T on the plus strand (T>A on the coding strand, the complement: MAGEL2 is on the minus strand). VCF-style: chr15-23644655-A-T. GRCh37 (hg19) VCF-style: chr15-23889802-A-T.
Other names: short protein forms F1030I.
Identifiers: ClinVar variation 2007014 (VCV002007014.4), dbSNP rs762817125, ClinGen allele CA7429750.

ClinVar aggregate classification (germline): Uncertain significance (1 of 4 stars; one submission).

Allele frequency attached by ClinVar (database versions not stated): ExAC 0.00002.

Submission:

Labcorp Genetics (formerly Invitae), Labcorp
Classification: Uncertain significance. Last evaluated: 2024-09-05. Review status: criteria provided, single submitter. Criteria: Invitae Variant Classification Sherloc (09022015). Collection method: clinical testing. Allele origin: germline.
Comment: This sequence change replaces phenylalanine, which is neutral and non-polar, with isoleucine, which is neutral and non-polar, at codon 1030 of the MAGEL2 protein (p.Phe1030Ile). This variant is present in population databases (rs762817125, gnomAD 0.002%). This variant has not been reported in the literature in individuals affected with MAGEL2-related conditions. ClinVar contains an entry for this variant (Variation ID: 2007014). Invitae Evidence Modeling of protein sequence and biophysical properties (such as structural, functional, and spatial information, amino acid conservation, physicochemical variation, residue mobility, and thermodynamic stability) has been performed for this missense variant. However, the output from this modeling did not meet the statistical confidence thresholds required to predict the impact of this variant on MAGEL2 protein function. In summary, the available evidence is currently insufficient to determine the role of this variant in disease. Therefore, it has been classified as a Variant of Uncertain Significance.